The following is an entry in ClinVar:

NM_001184880.2(PCDH19):c.2341del (p.Ile781fs)

Genes: PCDH19 (protocadherin 19; minus strand), LOC125467768 (CDK7 strongly-dependent group 2 enhancer GRCh37_chrX:99657381-99658580; plus strand). Cytogenetic location: Xq22.1.
Variant type: Deletion.
Coding change: c.2341del on transcript NM_001184880.2 (MANE Select); coding-DNA position 2341, one base deleted (A; older notation c.2341delA).
Protein change: p.Ile781fs; shifts the reading frame from isoleucine 781.
Molecular consequence: frameshift variant.
Genome position (GRCh38, 1-based): chrX:100,402,799, T deleted on the plus strand (A on the coding strand, the reverse complement: PCDH19 is on the minus strand); the first of 7 consecutive T bases (chrX:100,402,799-100,402,805); deleting any one gives the same sequence. VCF-style (leftmost placement, unchanged base first): chrX-100402798-AT-A. GRCh37 (hg19) VCF-style: chrX-99657796-AT-A.
Other names: c.2341del (NM_001184880.1); c.2200del, p.Ile734fs (NM_001105243.2, NM_020766.3); short protein forms I734fs, I781fs.
Identifiers: ClinVar variation 408902 (VCV000408902.14), dbSNP rs1060502175, ClinGen allele CA16616608.

ClinVar aggregate classification (germline): Pathogenic/Likely pathogenic. Review status: criteria provided, multiple submitters, no conflicts (2 of 4 stars). 4 submissions from 4 submitters: Pathogenic (3); Likely pathogenic (1). Last evaluated 2024-11-27.

Conditions:
PCDH19-related disorder. Also called: PCDH19-related condition.
Developmental and epileptic encephalopathy, 9 (DEE9). Also called: JUBERG-HELLMAN SYNDROME; Early infantile epileptic encephalopathy 9; PCDH19-Related X-Linked Female-Limited Epilepsy with Mental Retardation; EPILEPSY, FEMALE-RESTRICTED, WITH MENTAL RETARDATION. Identifiers: Orphanet 101039, Orphanet 2076, MedGen C1848137, MONDO:0010246, OMIM 300088. Disease mechanism: loss of function.

Submissions (4):

GeneDx
Classification: Pathogenic. Last evaluated: 2024-11-27. Review status: criteria provided, single submitter. Criteria: GeneDx Variant Classification Process June 2021. Collection method: clinical testing. Allele origin: germline.
Comment: Frameshift variant predicted to result in protein truncation or nonsense mediated decay in a gene for which loss of function is a known mechanism of disease; Not observed at significant frequency in large population cohorts (gnomAD); This variant is associated with the following publications: (PMID: 21053371, 34055682, 30287595)

Labcorp Genetics (formerly Invitae), Labcorp
Classification: Pathogenic for Developmental and epileptic encephalopathy, 9. Last evaluated: 2024-06-24. Review status: criteria provided, single submitter. Criteria: Invitae Variant Classification Sherloc (09022015). Collection method: clinical testing. Allele origin: germline.
Comment: This sequence change creates a premature translational stop signal (p.Ile781Serfs*19) in the PCDH19 gene. It is expected to result in an absent or disrupted protein product. Loss-of-function variants in PCDH19 are known to be pathogenic (PMID: 21053371). This variant is not present in population databases (gnomAD no frequency). This variant has not been reported in the literature in individuals affected with PCDH19-related conditions. ClinVar contains an entry for this variant (Variation ID: 408902). For these reasons, this variant has been classified as Pathogenic.

Fulgent Genetics
Classification: Pathogenic for Developmental and epileptic encephalopathy, 9. Last evaluated: 2022-03-06. Review status: criteria provided, single submitter. Criteria: ACMG Guidelines, 2015. Collection method: clinical testing. Allele origin: unknown.

Blueprint Genetics
Classification: Likely pathogenic for PCDH19-related disorders. Last evaluated: 2018-11-08. Review status: criteria provided, single submitter. Criteria: ACMG Guidelines, 2015. Collection method: clinical testing. Allele origin: germline. Affected: yes. Observed: 1 variant allele.

Literature cited by the submitters: PubMed 21053371 (cited by Labcorp Genetics (formerly Invitae), Labcorp).